The following is an entry in ClinVar:

ClinVar aggregate classification (germline): Uncertain significance. Review status: criteria provided, multiple submitters, no conflicts (2 of 4 stars). 4 submissions from 4 submitters: Uncertain significance (3). 1 of the submissions does not count toward it. Last evaluated 2025-02-13.

Conditions:
Inborn genetic diseases. Identifiers: MedGen C0950123, MeSH D030342.
Usher syndrome type 1B (USH1B). Also called: Usher syndrome type IB. Identifiers: MedGen C1848638, MONDO:0700087.

Allele frequency attached by ClinVar (database versions not stated): gnomAD exomes below 0.00001; gnomAD 0.00001; TOPMed 0.00002.

Submissions (4):

Labcorp Genetics (formerly Invitae), Labcorp
Classification: Uncertain significance. Last evaluated: 2025-02-13. Review status: criteria provided, single submitter. Criteria: Invitae Variant Classification Sherloc (09022015). Collection method: clinical testing. Allele origin: germline.
Comment: This sequence change replaces valine, which is neutral and non-polar, with isoleucine, which is neutral and non-polar, at codon 1489 of the MYO7A protein (p.Val1489Ile). This variant is not present in population databases (gnomAD no frequency). This variant has not been reported in the literature in individuals affected with MYO7A-related conditions. ClinVar contains an entry for this variant (Variation ID: 963645). Invitae Evidence Modeling of protein sequence and biophysical properties (such as structural, functional, and spatial information, amino acid conservation, physicochemical variation, residue mobility, and thermodynamic stability) indicates that this missense variant is not expected to disrupt MYO7A protein function with a negative predictive value of 95%. In summary, the available evidence is currently insufficient to determine the role of this variant in disease. Therefore, it has been classified as a Variant of Uncertain Significance.

Ambry Genetics
Classification: Uncertain significance for Inborn genetic diseases. Last evaluated: 2025-01-09. Review status: criteria provided, single submitter. Criteria: Ambry Variant Classification Scheme 2023. Collection method: clinical testing. Allele origin: germline.

Blueprint Genetics
Classification: Uncertain significance. Last evaluated: 2024-03-01. Review status: criteria provided, single submitter. Criteria: ACMG Guidelines, 2015. Collection method: clinical testing. Allele origin: germline.

Natera, Inc.
Classification: Uncertain significance for Usher syndrome type 1B. Last evaluated: 2020-04-13. Review status: no assertion criteria provided. Collection method: clinical testing. Allele origin: germline. Not counted in ClinVar's aggregate classification.

NM_000260.4(MYO7A):c.4465G>A (p.Val1489Ile)

Gene: MYO7A (myosin VIIA; plus strand). Cytogenetic location: 11q13.5.
Variant type: single nucleotide variant.
Coding change: c.4465G>A on transcript NM_000260.4 (MANE Select); coding-DNA position 4465, G replaced by A.
Protein change: p.Val1489Ile; replaces valine 1489 with isoleucine.
Molecular consequence: missense variant.
Genome position (GRCh38, 1-based): chr11:77,198,518, G>A. VCF-style: chr11-77198518-G-A. GRCh37 (hg19) VCF-style: chr11-76909563-G-A.
Other names: c.4465G>A, p.Val1489Ile (NM_001127180.2); c.4432G>A, p.Val1478Ile (NM_001369365.1); short protein forms V1489I, V1478I.
Identifiers: ClinVar variation 963645 (VCV000963645.10), dbSNP rs1265094428, ClinGen allele CA381950251.
Genomic context (GRCh38, chr11:77,198,518, plus strand): 5'-GGGAGGCCTGCCTCTCAGTGCCTTGGTCTCGTCCCAGGCCCCAGTCTCCCCAAGAACGAC[G>A]TCATCGTGGCCGTCAACTGGACGGGTGTGTACTTTGTGGATGAGCAGGAGCAGGTACTTC-3'
Protein context (NP_000251.3, residues 1479-1499): FSGPSLPKND[Val1489Ile]IVAVNWTGVY